The following is an entry in ClinVar:

NM_001164508.2(NEB):c.2230C>T (p.Pro744Ser)

Gene: NEB (nebulin; minus strand). Cytogenetic location: 2q23.3.
Variant type: single nucleotide variant.
Coding change: c.2230C>T on transcript NM_001164508.2 (MANE Select); coding-DNA position 2230, C replaced by T.
Protein change: p.Pro744Ser; replaces proline 744 with serine.
Molecular consequence: missense variant.
Genome position (GRCh38, 1-based): chr2:151,690,807, G>A on the plus strand (C>T on the coding strand, the complement: NEB is on the minus strand). VCF-style: chr2-151690807-G-A. GRCh37 (hg19) VCF-style: chr2-152547321-G-A.
Other names: c.2230C>T, p.Pro744Ser (NM_001164507.2, NM_001271208.2, NM_004543.5); short protein forms P744S.
Identifiers: ClinVar variation 2070712 (VCV002070712.1), dbSNP rs2099542776, ClinGen allele CA348823469.

ClinVar aggregate classification (germline): Uncertain significance (1 of 4 stars; one submission).

Conditions:
Nemaline myopathy 2 (NEM2). Also called: Nemaline myopathy 2, autosomal recessive. Identifiers: MedGen C1850569, MONDO:0009725, OMIM 256030.

Allele frequency attached by ClinVar (database versions not stated): gnomAD exomes below 0.00001; TOPMed 0.00001.
gnomAD v4.1: 3 of 1,589,156 alleles (0.00019%); highest among the groups gnomAD compares: Non-Finnish European, 0.00026%; no homozygotes.

Submission:

Labcorp Genetics (formerly Invitae), Labcorp
Classification: Uncertain significance for Nemaline myopathy 2. Last evaluated: 2020-09-24. Review status: criteria provided, single submitter. Criteria: Invitae Variant Classification Sherloc (09022015). Collection method: clinical testing. Allele origin: germline.
Comment: This sequence change replaces proline with serine at codon 744 of the NEB protein (p.Pro744Ser). The proline residue is moderately conserved and there is a moderate physicochemical difference between proline and serine. This variant is not present in population databases (ExAC no frequency). This variant has not been reported in the literature in individuals with NEB-related conditions. Algorithms developed to predict the effect of missense changes on protein structure and function are either unavailable or do not agree on the potential impact of this missense change (SIFT: "Deleterious"; PolyPhen-2: "Not Available"; Align-GVGD: "Class C0"). In summary, the available evidence is currently insufficient to determine the role of this variant in disease. Therefore, it has been classified as a Variant of Uncertain Significance.